The following is an entry in ClinVar:

ClinVar aggregate classification (germline): Uncertain significance (1 of 4 stars; one submission).

Conditions:
Bethlem myopathy 1A. Also called: MYOPATHY, BENIGN CONGENITAL, WITH CONTRACTURES; Bethlem myopathy 1; Bethlem Muscular Dystrophy. Identifiers: Orphanet 610, MedGen CN029274, MONDO:0024530, OMIM 158810.

Submission:

Labcorp Genetics (formerly Invitae), Labcorp
Classification: Uncertain significance for Bethlem myopathy 1A. Last evaluated: 2024-03-21. Review status: criteria provided, single submitter. Criteria: Invitae Variant Classification Sherloc (09022015). Collection method: clinical testing. Allele origin: germline.
Comment: This sequence change replaces glycine, which is neutral and non-polar, with glutamic acid, which is acidic and polar, at codon 388 of the COL6A2 protein (p.Gly388Glu). This variant is not present in population databases (gnomAD no frequency). This variant has not been reported in the literature in individuals affected with COL6A2-related conditions. Advanced modeling of protein sequence and biophysical properties (such as structural, functional, and spatial information, amino acid conservation, physicochemical variation, residue mobility, and thermodynamic stability) performed at Invitae indicates that this missense variant is expected to disrupt COL6A2 protein function with a positive predictive value of 80%. This variant disrupts the triple helix domain of COL6A2. Glycine residues within the Gly-Xaa-Yaa repeats of the triple helix domain are required for the structure and stability of fibrillar collagens (PMID: 7695699, 8218237, 19344236). In COL6A2, missense variants at these glycine residues are significantly enriched in individuals with autosomal dominant disease (PMID: 15689448, 24038877) compared to the general population (ExAC). In summary, the available evidence is currently insufficient to determine the role of this variant in disease. Therefore, it has been classified as a Variant of Uncertain Significance.

Literature cited by the submitters: PubMed 7695699; PubMed 8218237; PubMed 19344236; PubMed 15689448; PubMed 24038877.

NM_001849.4(COL6A2):c.1163G>A (p.Gly388Glu)

Gene: COL6A2 (collagen type VI alpha 2 chain; plus strand). Cytogenetic location: 21q22.3.
Variant type: single nucleotide variant.
Coding change: c.1163G>A on transcript NM_001849.4 (MANE Select); coding-DNA position 1163, G replaced by A.
Protein change: p.Gly388Glu; replaces glycine 388 with glutamic acid.
Molecular consequence: missense variant.
Genome position (GRCh38, 1-based): chr21:46,118,660, G>A. VCF-style: chr21-46118660-G-A. GRCh37 (hg19) VCF-style: chr21-47538574-G-A.
Other names: c.1163G>A, p.Gly388Glu (NM_058174.3, NM_058175.3); short protein forms G388E.
Identifiers: ClinVar variation 2711785 (VCV002711785.3), dbSNP rs2517001245, ClinGen allele CA410528259.
Genomic context (GRCh38, chr21:46,118,660, plus strand): 5'-GCAAACCCTTCCAGGGGGACCCTGGCCGCCCAGGACGCAGAGGGCCCCCGGGAGAAATCG[G>A]GGCCAAGGGAAGCAAGGTGAGCCCCTCTGCCTCTTCGCCTGCAGCTGAGCTGGCCACACT-3'
Protein context (NP_001840.3, residues 378-398): PGRRGPPGEI[Gly388Glu]AKGSKGYQGN